The following is an entry in ClinVar:

ClinVar aggregate classification (germline): Uncertain significance. Review status: criteria provided, multiple submitters, no conflicts (2 of 4 stars). 2 submissions from 2 submitters: Uncertain significance (2). Last evaluated 2025-12-23.

Conditions:
Autosomal recessive limb-girdle muscular dystrophy type 2J (LGMDR10). Also called: Limb-girdle muscular dystrophy, type 2J; MUSCULAR DYSTROPHY, LIMB-GIRDLE, AUTOSOMAL RECESSIVE 10. Identifiers: Orphanet 140922, MedGen C1837342, MONDO:0012127, OMIM 608807.
Dilated cardiomyopathy 1G (CMD1G). Identifiers: Orphanet 154, MedGen C1858763, MONDO:0011400, OMIM 604145.
Hypertrophic cardiomyopathy 9. Also called: Familial hypertrophic cardiomyopathy 9. Identifiers: MedGen C1861065, MONDO:0013412, OMIM 613765.
Tibial muscular dystrophy (TMD). Also called: UDD MYOPATHY; Udd Distal Myopathy – Tibial Muscular Dystrophy; Tibial muscular dystrophy, tardive. Identifiers: Orphanet 609, MedGen C1838244, MONDO:0010870, OMIM 600334.
Early-onset myopathy with fatal cardiomyopathy (CMYO5). Also called: Salih Myopathy; CONGENITAL MYOPATHY 5 WITH CARDIOMYOPATHY. Identifiers: Orphanet 289377, MedGen C2673677, MONDO:0012714, OMIM 611705. Disease mechanism: loss of function.
Myopathy, myofibrillar, 9, with early respiratory failure (MFM9). Also called: MYOPATHY, PROXIMAL, WITH EARLY RESPIRATORY MUSCLE INVOLVEMENT; Hereditary myopathy with early respiratory failure; EDSTROM MYOPATHY; Myopathy, distal, with early respiratory failure, autosomal dominant. Identifiers: Orphanet 178464, Orphanet 34521, MedGen C1863599, MONDO:0011362, OMIM 603689.

Allele frequency attached by ClinVar (database versions not stated): gnomAD exomes below 0.00001; gnomAD 0.00002; TOPMed 0.00002.
gnomAD v4.1: 4 of 1,613,100 alleles (0.00025%); highest among the groups gnomAD compares: African/African-American, 0.0053%; no homozygotes.

Submissions (2):

Labcorp Genetics (formerly Invitae), Labcorp
Classification: Uncertain significance for Dilated cardiomyopathy 1G; Autosomal recessive limb-girdle muscular dystrophy type 2J. Last evaluated: 2025-12-23. Review status: criteria provided, single submitter. Criteria: Invitae Variant Classification Sherloc (09022015). Collection method: clinical testing. Allele origin: germline.
Comment: This sequence change replaces histidine, which is basic and polar, with proline, which is neutral and non-polar, at codon 34095 of the TTN protein (p.His34095Pro). This variant is not present in population databases (gnomAD no frequency). This variant has not been reported in the literature in individuals affected with TTN-related conditions. ClinVar contains an entry for this variant (Variation ID: 944134). Experimental studies and prediction algorithms are not available or were not evaluated, and the functional significance of this variant is currently unknown. This variant is located in the M band of TTN (PMID: 25589632). Non-truncating variants in this region may be relevant for neuromuscular disorders, but have not been definitively shown to cause cardiomyopathy (PMID: 23975875). In summary, the available evidence is currently insufficient to determine the role of this variant in disease. Therefore, it has been classified as a Variant of Uncertain Significance.

Fulgent Genetics
Classification: Uncertain significance for Tibial muscular dystrophy; Myopathy, myofibrillar, 9, with early respiratory failure; Dilated cardiomyopathy 1G; Autosomal recessive limb-girdle muscular dystrophy type 2J; Early-onset myopathy with fatal cardiomyopathy; Hypertrophic cardiomyopathy 9. Last evaluated: 2021-08-11. Review status: criteria provided, single submitter. Criteria: ACMG Guidelines, 2015. Collection method: clinical testing. Allele origin: unknown.

Literature cited by the submitters: PubMed 25589632 (cited by Labcorp Genetics (formerly Invitae), Labcorp); PubMed 23975875 (cited by Labcorp Genetics (formerly Invitae), Labcorp).

NM_001267550.2(TTN):c.102284A>C (p.His34095Pro)

Genes: TTN (titin; minus strand), TTN-AS1 (TTN antisense RNA 1; plus strand). Cytogenetic location: 2q31.2.
Variant type: single nucleotide variant.
Coding change: c.102284A>C on transcript NM_001267550.2 (MANE Select); coding-DNA position 102284, A replaced by C.
Protein change: p.His34095Pro; replaces histidine 34095 with proline.
Molecular consequence: missense variant.
Genome position (GRCh38, 1-based): chr2:178,534,331, T>G on the plus strand (A>C on the coding strand, the complement: TTN is on the minus strand). VCF-style: chr2-178534331-T-G. GRCh37 (hg19) VCF-style: chr2-179399058-T-G.
Other names: c.97361A>C, p.His32454Pro (NM_001256850.1); c.75089A>C, p.His25030Pro (NM_003319.4); c.94580A>C, p.His31527Pro (NM_133378.4); c.75464A>C, p.His25155Pro (NM_133432.3); c.75665A>C, p.His25222Pro (NM_133437.4); short protein forms H25155P, H31527P, H34095P, H25030P, H32454P, H25222P.
Identifiers: ClinVar variation 944134 (VCV000944134.11), dbSNP rs1437743604, ClinGen allele CA349417961.